The following is an entry in ClinVar:

ClinVar aggregate classification (germline): Likely pathogenic (1 of 4 stars; one submission).

Conditions:
Autosomal dominant Alport syndrome (ATS3A). Also called: ALPORT SYNDROME 3A, AUTOSOMAL DOMINANT; Alport syndrome dominant type; Renal failure and sensorineural hearing loss. Identifiers: Orphanet 63, Orphanet 88918, MedGen C5882663, MONDO:0007086, OMIM 104200.

Submission:

MVZ Medizinische Genetik Mainz
Classification: Likely pathogenic for Autosomal dominant Alport syndrome. Last evaluated: 2021-09-16. Review status: criteria provided, single submitter. Criteria: UK Practice Guidelines For Variant Classification V4 01 2020. Collection method: clinical testing. Allele origin: germline. Inheritance: Unknown mechanism. Affected: yes. Observed: 1 variant allele.
Comment: ACMG Criteria: PM2_SUP, PP3, PP4, PM1_STR

NM_000091.5(COL4A3):c.1016G>C (p.Gly339Ala)

Genes: COL4A3 (collagen type IV alpha 3 chain; plus strand), MFF-DT (MFF divergent transcript; minus strand). Cytogenetic location: 2q36.3.
Variant type: single nucleotide variant.
Coding change: c.1016G>C on transcript NM_000091.5 (MANE Select); coding-DNA position 1016, G replaced by C.
Protein change: p.Gly339Ala; replaces glycine 339 with alanine.
Molecular consequence: missense variant.
Genome position (GRCh38, 1-based): chr2:227,257,631, G>C. VCF-style: chr2-227257631-G-C. GRCh37 (hg19) VCF-style: chr2-228122347-G-C.
Other names: short protein forms G339A.
Identifiers: ClinVar variation 3068337 (VCV003068337.1), dbSNP rs2469594055, ClinGen allele CA350867566.